The following is an entry in ClinVar:

NM_006721.4(ADK):c.182A>G (p.Lys61Arg)

Gene: ADK (adenosine kinase; plus strand). Cytogenetic location: 10q22.2.
Variant type: single nucleotide variant.
Coding change: c.182A>G on transcript NM_006721.4 (MANE Select); coding-DNA position 182, A replaced by G.
Protein change: p.Lys61Arg; replaces lysine 61 with arginine.
Molecular consequence: missense variant. On other transcripts: intron variant (1).
Genome position (GRCh38, 1-based): chr10:74,224,579, A>G. VCF-style: chr10-74224579-A-G. GRCh37 (hg19) VCF-style: chr10-75984337-A-G.
Other names: c.131A>G, p.Lys44Arg (NM_001123.4, NM_001369124.1); c.182A>G, p.Lys61Arg (NM_001202450.2, NM_001369123.1); c.89+23741A>G (NM_001202449.2); short protein forms K61R, K44R.
Identifiers: ClinVar variation 2770787 (VCV002770787.3), dbSNP rs1302443324, ClinGen allele CA377396899.

ClinVar aggregate classification (germline): Uncertain significance (1 of 4 stars; one submission).

Allele frequency attached by ClinVar (database versions not stated): gnomAD exomes below 0.00001.
gnomAD v4.1: 2 of 1,613,692 alleles (0.00012%); highest among the groups gnomAD compares: Middle Eastern, 0.017%; no homozygotes.

Submission:

Labcorp Genetics (formerly Invitae), Labcorp
Classification: Uncertain significance. Last evaluated: 2024-02-16. Review status: criteria provided, single submitter. Criteria: Invitae Variant Classification Sherloc (09022015). Collection method: clinical testing. Allele origin: germline.
Comment: This sequence change replaces lysine, which is basic and polar, with arginine, which is basic and polar, at codon 44 of the ADK protein (p.Lys44Arg). This variant is present in population databases (no rsID available, gnomAD 0.0009%). This variant has not been reported in the literature in individuals affected with ADK-related conditions. An algorithm developed to predict the effect of missense changes on protein structure and function (PolyPhen-2) suggests that this variant is likely to be tolerated. In summary, the available evidence is currently insufficient to determine the role of this variant in disease. Therefore, it has been classified as a Variant of Uncertain Significance.